The following is an entry in ClinVar:

NM_000277.3(PAH):c.1081A>C (p.Lys361Gln)

Gene: PAH (phenylalanine hydroxylase; minus strand). Cytogenetic location: 12q23.2.
Variant type: single nucleotide variant.
Coding change: c.1081A>C on transcript NM_000277.3 (MANE Select); coding-DNA position 1081, A replaced by C.
Protein change: p.Lys361Gln; replaces lysine 361 with glutamine.
Molecular consequence: missense variant.
Genome position (GRCh38, 1-based): chr12:102,843,764, T>G on the plus strand (A>C on the coding strand, the complement: PAH is on the minus strand). VCF-style: chr12-102843764-T-G. GRCh37 (hg19) VCF-style: chr12-103237542-T-G.
Other names: NM_000277.3:c.1081A>C; c.1081A>C, p.Lys361Gln (NM_001354304.2); c.1081A>C (NM_000277.2); short protein forms K361Q.
Identifiers: ClinVar variation 1327565 (VCV001327565.3), dbSNP rs772918939, ClinGen allele CA16020936.

ClinVar aggregate classification (germline): Likely pathogenic. Review status: reviewed by expert panel (3 of 4 stars). 3 submissions from 3 submitters: Likely pathogenic (1). 2 of the submissions do not count toward it. Last evaluated 2019-12-16.

Conditions:
Phenylketonuria (PKU). Also called: Phenylketonuria (PKU); FOLLING DISEASE; OLIGOPHRENIA PHENYLPYRUVICA; Phenylketonurias. Identifiers: Orphanet 716, MedGen C0031485, MONDO:0009861, OMIM 261600. Disease mechanism: loss of function.

Allele frequency attached by ClinVar (database versions not stated): TOPMed 0.00001.

Submissions (3):

ClinGen PAH Variant Curation Expert Panel
Classification: Likely pathogenic for Phenylketonuria. Last evaluated: 2019-12-16. Review status: reviewed by expert panel. Criteria: ClinGen PAH ACMG Specifications v1. Collection method: curation. Allele origin: germline. Inheritance: Autosomal recessive inheritance.
Comment: The c.1081A>C (p.Lys361Gln) variant in PAH has been reported in 1 individual with benign (untreated) HPA (Phe 120-360 uM), BH4 deficiency excluded. It was detected with pathogenic variant p.R243X (PMID: 23500595, 27121329) This variant is absent in population databases (PM2). Computational evidence supports a deleterious effect. In summary, this variant meets criteria to be classified as likely pathogenic for PAH. PAH-specific ACMG/AMP criteria applied: PP4_Moderate, PM2, PM3_supporting, PP3.

Dasa
Classification: Likely pathogenic for Phenylketonuria. Last evaluated: 2026-04-25. Review status: criteria provided, single submitter. Criteria: DASA Assertion Criteria. Collection method: clinical testing. Allele origin: germline. Inheritance: Autosomal recessive inheritance. Not counted in ClinVar's aggregate classification.
Comment: NM_000277.3(PAH):c.1081A>C (p.Lys361Gln) is a missense variant resulting in an amino acid substitution in phenylalanine hydroxylase, a gene in which loss of enzymatic function is an established mechanism for autosomal recessive phenylketonuria. This variant has been observed in individuals with a highly specific phenylketonuria phenotype, including reports of homozygous occurrence in affected individuals (PMID: 23500595, 27121329). It is absent from population databases, supporting rarity in the general population. In silico analyses predominantly support a deleterious effect on the protein. Based on the available data, this variant is classified as likely pathogenic.

Natera, Inc.
Classification: Likely pathogenic for Phenylketonuria. Last evaluated: 2025-04-21. Review status: criteria provided, single submitter. Criteria: Natera Variant Classification Schema (03/2026). Collection method: clinical testing. Allele origin: germline. Not counted in ClinVar's aggregate classification.
Comment: The c.1081A>C variant in PAH is a missense variant predicted to cause substitution of lysine to glutamine at amino acid 361. This variant is rare in the general population with a frequency below the threshold expected for the associated phenotype(s). This variant has been observed in one or more individuals affected with the associated recessive disease, as either homozygous or compound heterozygous with a second variant (PMID: 27121329). This variant has been identified in one or more affected individuals with a phenotype highly consistent with the associated gene (PMID: 27121329). Computational prediction algorithms indicate this variant is likely to affect gene or protein function. Given the available evidence, this variant is classified as Likely Pathogenic.

Literature cited by the submitters: PubMed 23500595 (cited by Dasa); PubMed 27121329 (cited by Dasa and Natera, Inc.).